The following is an entry in ClinVar:

NM_000747.3(CHRNB1):c.1163A>G (p.Asp388Gly)

Gene: CHRNB1 (cholinergic receptor nicotinic beta 1 subunit; plus strand). Cytogenetic location: 17p13.1.
Variant type: single nucleotide variant.
Coding change: c.1163A>G on transcript NM_000747.3 (MANE Select); coding-DNA position 1163, A replaced by G.
Protein change: p.Asp388Gly; replaces aspartic acid 388 with glycine.
Molecular consequence: missense variant.
Genome position (GRCh38, 1-based): chr17:7,455,402, A>G. VCF-style: chr17-7455402-A-G. GRCh37 (hg19) VCF-style: chr17-7358721-A-G.
Other names: short protein forms D388G.
Identifiers: ClinVar variation 3709526 (VCV003709526.2).

ClinVar aggregate classification (germline): Uncertain significance (1 of 4 stars; one submission).

Conditions:
Congenital myasthenic syndrome 2A. Also called: Myasthenic syndrome, congenital, 2a, slow-channel. Identifiers: Orphanet 590, MedGen C4225374, MONDO:0014581, OMIM 616313.

gnomAD v4.1: 5 of 1,614,142 alleles (0.00031%); highest among the groups gnomAD compares: Non-Finnish European, 0.00042%; no homozygotes.

Submission:

Labcorp Genetics (formerly Invitae), Labcorp
Classification: Uncertain significance for Congenital myasthenic syndrome 2A. Last evaluated: 2024-04-02. Review status: criteria provided, single submitter. Criteria: Invitae Variant Classification Sherloc (09022015). Collection method: clinical testing. Allele origin: germline.
Comment: This sequence change replaces aspartic acid, which is acidic and polar, with glycine, which is neutral and non-polar, at codon 388 of the CHRNB1 protein (p.Asp388Gly). This variant is not present in population databases (gnomAD no frequency). This variant has not been reported in the literature in individuals affected with CHRNB1-related conditions. Advanced modeling of protein sequence and biophysical properties (such as structural, functional, and spatial information, amino acid conservation, physicochemical variation, residue mobility, and thermodynamic stability) performed at Invitae indicates that this missense variant is not expected to disrupt CHRNB1 protein function with a negative predictive value of 80%. Algorithms developed to predict the effect of sequence changes on RNA splicing suggest that this variant may disrupt the consensus splice site. In summary, the available evidence is currently insufficient to determine the role of this variant in disease. Therefore, it has been classified as a Variant of Uncertain Significance.